The following is an entry in ClinVar:

ClinVar aggregate classification (germline): Pathogenic (1 of 4 stars; one submission).

Conditions:
Severe combined immunodeficiency due to IKK2 deficiency. Also called: IMMUNODEFICIENCY 15B; Immunodeficiency 15. Identifiers: Orphanet 397787, MedGen C4747743, MONDO:0014267, OMIM 615592.

Allele frequency attached by ClinVar (database versions not stated): gnomAD exomes below 0.00001.
gnomAD v4.1: 1 of 1,613,940 alleles (0.000062%); highest among the groups gnomAD compares: Non-Finnish European, 0.000085%; no homozygotes.

Submission:

Labcorp Genetics (formerly Invitae), Labcorp
Classification: Pathogenic for Severe combined immunodeficiency due to IKK2 deficiency. Last evaluated: 2024-09-06. Review status: criteria provided, single submitter. Criteria: Invitae Variant Classification Sherloc (09022015). Collection method: clinical testing. Allele origin: germline.
Comment: This sequence change creates a premature translational stop signal (p.Gln588*) in the IKBKB gene. It is expected to result in an absent or disrupted protein product. Loss-of-function variants in IKBKB are known to be pathogenic (PMID: 24369075, 24679846). This variant is not present in population databases (gnomAD no frequency). This variant has not been reported in the literature in individuals affected with IKBKB-related conditions. ClinVar contains an entry for this variant (Variation ID: 2096950). Algorithms developed to predict the effect of sequence changes on RNA splicing suggest that this variant may disrupt the consensus splice site. For these reasons, this variant has been classified as Pathogenic.

Literature cited by the submitters: PubMed 24369075; PubMed 24679846.

NM_001556.3(IKBKB):c.1762C>T (p.Gln588Ter)

Gene: IKBKB (inhibitor of nuclear factor kappa B kinase subunit beta; plus strand). Cytogenetic location: 8p11.21.
Variant type: single nucleotide variant.
Coding change: c.1762C>T on transcript NM_001556.3 (MANE Select); coding-DNA position 1762, C replaced by T.
Protein change: p.Gln588Ter; replaces glutamine 588 with a stop codon.
Molecular consequence: nonsense. On other transcripts: non-coding transcript variant (3).
Genome position (GRCh38, 1-based): chr8:42,322,077, C>T. VCF-style: chr8-42322077-C-T. GRCh37 (hg19) VCF-style: chr8-42179595-C-T.
Other names: c.1570C>T, p.Gln524Ter (NM_001190720.3); c.1585C>T, p.Gln529Ter (NM_001242778.2); short protein forms Q524*, Q529*, Q588*.
Identifiers: ClinVar variation 2096950 (VCV002096950.4), dbSNP rs2487734648, ClinGen allele CA371092269.